The following is an entry in ClinVar:

ClinVar aggregate classification (germline): Likely pathogenic (1 of 4 stars; one submission).

Conditions:
Dilated cardiomyopathy 1G (CMD1G). Identifiers: Orphanet 154, MedGen C1858763, MONDO:0011400, OMIM 604145.
Hypertrophic cardiomyopathy 9. Also called: Familial hypertrophic cardiomyopathy 9. Identifiers: MedGen C1861065, MONDO:0013412, OMIM 613765.
Early-onset myopathy with fatal cardiomyopathy (CMYO5). Also called: Salih Myopathy; CONGENITAL MYOPATHY 5 WITH CARDIOMYOPATHY. Identifiers: Orphanet 289377, MedGen C2673677, MONDO:0012714, OMIM 611705. Disease mechanism: loss of function.
Tibial muscular dystrophy (TMD). Also called: Tibial muscular dystrophy, tardive; Udd Distal Myopathy – Tibial Muscular Dystrophy; UDD MYOPATHY. Identifiers: Orphanet 609, MedGen C1838244, MONDO:0010870, OMIM 600334.
Autosomal recessive limb-girdle muscular dystrophy type 2J (LGMDR10). Also called: MUSCULAR DYSTROPHY, LIMB-GIRDLE, AUTOSOMAL RECESSIVE 10; Limb-girdle muscular dystrophy, type 2J. Identifiers: Orphanet 140922, MedGen C1837342, MONDO:0012127, OMIM 608807.
Myopathy, myofibrillar, 9, with early respiratory failure (MFM9). Also called: EDSTROM MYOPATHY; Myopathy, distal, with early respiratory failure, autosomal dominant; Hereditary myopathy with early respiratory failure; MYOPATHY, PROXIMAL, WITH EARLY RESPIRATORY MUSCLE INVOLVEMENT. Identifiers: Orphanet 178464, Orphanet 34521, MedGen C1863599, MONDO:0011362, OMIM 603689.

Submission:

Juno Genomics, Hangzhou Juno Genomics, Inc
Classification: Likely pathogenic for Early-onset myopathy with fatal cardiomyopathy; Dilated cardiomyopathy 1G; Hypertrophic cardiomyopathy 9; Autosomal recessive limb-girdle muscular dystrophy type 2J; Myopathy, myofibrillar, 9, with early respiratory failure; Tibial muscular dystrophy. Review status: criteria provided, single submitter. Criteria: ACMG Guidelines, 2015. Collection method: clinical testing. Allele origin: germline.
Comment: Absent from controls (or at extremely low frequency if recessive) in Genome Aggregation Database.;Null variant in a gene where loss of function (LOF) is a known mechanism of disease.

NM_001267550.2(TTN):c.60713del (p.Lys20238fs)

Genes: TTN (titin; minus strand), TTN-AS1 (TTN antisense RNA 1; plus strand). Cytogenetic location: 2q31.2.
Variant type: Deletion.
Coding change: c.60713del on transcript NM_001267550.2 (MANE Select); coding-DNA position 60713, one base deleted (A; older notation c.60713delA).
Protein change: p.Lys20238fs; shifts the reading frame from lysine 20238.
Molecular consequence: frameshift variant.
Genome position (GRCh38, 1-based): chr2:178,591,012, T deleted on the plus strand (A on the coding strand, the reverse complement: TTN is on the minus strand); the first of 2 consecutive T bases (chr2:178,591,012-178,591,013); deleting either gives the same sequence. VCF-style (leftmost placement, unchanged base first): chr2-178591011-CT-C. GRCh37 (hg19) VCF-style: chr2-179455738-CT-C.
Other names: c.55790del, p.Lys18597fs (NM_001256850.1); c.33518del, p.Lys11173fs (NM_003319.4); c.53009del, p.Lys17670fs (NM_133378.4); c.33893del, p.Lys11298fs (NM_133432.3); c.34094del, p.Lys11365fs (NM_133437.4); short protein forms K11173fs, K11298fs, K11365fs, K17670fs, K18597fs, K20238fs.
Identifiers: ClinVar variation 3382742 (VCV003382742.3).